The following is an entry in ClinVar:

NM_002032.3(FTH1):c.289G>A (p.Gly97Arg)

Genes: BEST1 (bestrophin 1; plus strand), FTH1 (ferritin heavy chain 1; minus strand). Cytogenetic location: 11q12.3.
Variant type: single nucleotide variant.
Coding change: c.289G>A on transcript NM_002032.3 (MANE Select); coding-DNA position 289, G replaced by A.
Protein change: p.Gly97Arg; replaces glycine 97 with arginine.
Molecular consequence: missense variant.
Genome position (GRCh38, 1-based): chr11:61,965,085, C>T on the plus strand (G>A on the coding strand, the complement: FTH1 is on the minus strand). VCF-style: chr11-61965085-C-T. GRCh37 (hg19) VCF-style: chr11-61732557-C-T.
Other names: short protein forms G97R.
Identifiers: ClinVar variation 3621887 (VCV003621887.2).

ClinVar aggregate classification (germline): Uncertain significance (1 of 4 stars; one submission).

gnomAD v4.1: 6 of 1,607,170 alleles (0.00037%); highest among the groups gnomAD compares: Non-Finnish European, 0.00051%; no homozygotes.

Submission:

Labcorp Genetics (formerly Invitae), Labcorp
Classification: Uncertain significance. Last evaluated: 2024-03-16. Review status: criteria provided, single submitter. Criteria: Invitae Variant Classification Sherloc (09022015). Collection method: clinical testing. Allele origin: germline.
Comment: This sequence change replaces glycine, which is neutral and non-polar, with arginine, which is basic and polar, at codon 97 of the FTH1 protein (p.Gly97Arg). This variant is present in population databases (rs368627145, gnomAD 0.0009%). This variant has not been reported in the literature in individuals affected with FTH1-related conditions. An algorithm developed to predict the effect of missense changes on protein structure and function (PolyPhen-2) suggests that this variant is likely to be disruptive. In summary, the available evidence is currently insufficient to determine the role of this variant in disease. Therefore, it has been classified as a Variant of Uncertain Significance.